The following is an entry in ClinVar:

NM_001355436.2(SPTB):c.154C>T (p.Arg52Trp)

Gene: SPTB (spectrin beta, erythrocytic; minus strand). Cytogenetic location: 14q23.3.
Variant type: single nucleotide variant.
Coding change: c.154C>T on transcript NM_001355436.2 (MANE Select); coding-DNA position 154, C replaced by T.
Protein change: p.Arg52Trp; replaces arginine 52 with tryptophan.
Molecular consequence: missense variant.
Genome position (GRCh38, 1-based): chr14:64,805,085, G>A on the plus strand (C>T on the coding strand, the complement: SPTB is on the minus strand). VCF-style: chr14-64805085-G-A. GRCh37 (hg19) VCF-style: chr14-65271803-G-A.
Other names: p.Arg52Trp; c.154C>T, p.Arg52Trp (NM_001024858.4, NM_001355437.2); short protein forms R52W.
Identifiers: ClinVar variation 827665 (VCV000827665.32), dbSNP rs1594796374, ClinGen allele CA390036247.

ClinVar aggregate classification (germline): Conflicting classifications of pathogenicity. Review status: criteria provided, conflicting classifications (1 of 4 stars). 9 submissions from 9 submitters: Likely pathogenic (6); Uncertain significance (3). Last evaluated 2025-12-29.

Conditions:
Hereditary spherocytosis type 3. Also called: Spherocytosis type 3; SPTA1-Related Spherocytosis. Identifiers: Orphanet 822, MedGen C2678338, MONDO:0010053, OMIM 270970.

Allele frequency attached by ClinVar (database versions not stated): gnomAD exomes below 0.00001; TOPMed below 0.00001.
gnomAD v4.1: 2 of 1,614,122 alleles (0.00012%); highest among the groups gnomAD compares: Non-Finnish European, 0.00017%; no homozygotes.

Submissions (9):

Center for Genomic Medicine, Rigshospitalet, Copenhagen University Hospital
Classification: Likely pathogenic. Last evaluated: 2025-12-29. Review status: criteria provided, single submitter. Criteria: ACMG Guidelines, 2015. Collection method: clinical testing. Allele origin: germline.
Comment: Classification criteria: PM2_supporting, PS4_moderate, PP4_Strong

Mayo Clinic Laboratories, Mayo Clinic
Classification: Likely pathogenic. Last evaluated: 2025-09-19. Review status: criteria provided, single submitter. Criteria: ACMG Guidelines, 2015. Collection method: clinical testing. Allele origin: germline. Observed: 4 variant alleles.

Johns Hopkins Genomics, Johns Hopkins University
Classification: Likely pathogenic for Hereditary spherocytosis type 3. Last evaluated: 2025-09-09. Review status: criteria provided, single submitter. Criteria: ACMG Guidelines, 2015. Collection method: clinical testing. Allele origin: germline.
Comment: This variant is classified as likely pathogenic (PM1, PM2, PP3, PP4_moderate).

Labcorp Genetics (formerly Invitae), Labcorp
Classification: Likely pathogenic. Last evaluated: 2025-06-22. Review status: criteria provided, single submitter. Criteria: Invitae Variant Classification Sherloc (09022015). Collection method: clinical testing. Allele origin: germline.
Comment: This sequence change replaces arginine, which is basic and polar, with tryptophan, which is neutral and slightly polar, at codon 52 of the SPTB protein (p.Arg52Trp). This variant is not present in population databases (gnomAD no frequency). This missense change has been observed in individuals with hereditary elliptocytosis and spherocytosis (PMID: 34093240, 36035481, 37357001, 38434532; internal data). ClinVar contains an entry for this variant (Variation ID: 827665). An algorithm developed to predict the effect of missense changes on protein structure and function (PolyPhen-2) suggests that this variant is likely to be disruptive. In summary, the currently available evidence indicates that the variant is pathogenic, but additional data are needed to prove that conclusively. Therefore, this variant has been classified as Likely Pathogenic.

Revvity Omics, Revvity
Classification: Likely pathogenic. Last evaluated: 2024-12-23. Review status: criteria provided, single submitter. Criteria: ACMG Guidelines, 2015. Collection method: clinical testing. Allele origin: germline.

CeGaT Center for Human Genetics Tuebingen
Classification: Likely pathogenic. Last evaluated: 2024-10-01. Review status: criteria provided, single submitter. Criteria: CeGaT Center For Human Genetics Tuebingen Variant Classification Criteria Version 2. Collection method: clinical testing. Allele origin: germline. Affected: yes. Observed: 1 variant allele.
Comment: SPTB: PM2, PS2:Moderate, PS4:Moderate

ARUP Laboratories, Molecular Genetics and Genomics, ARUP Laboratories
Classification: Uncertain significance. Last evaluated: 2024-07-25. Review status: criteria provided, single submitter. Criteria: ARUP Molecular Germline Variant Investigation Process 2024. Collection method: clinical testing. Allele origin: germline.
Comment: The SPTB c.154C>T p.Arg52Trp variant (rs1594796374) is reported in the literature in several individuals and relatives affected with hereditary spherocytosis or elliptocytosis (Fermo 2021, Glaros 2019, Kager 2024). This variant is absent from the Genome Aggregation Database (v2.1.1), indicating it is not a common polymorphism. Computational analyses are uncertain whether this variant is neutral or deleterious (REVEL: 0.486). Due to limited information, the clinical significance of this variant is uncertain at this time. References: Fermo E et al. Targeted Next Generation Sequencing and Diagnosis of Congenital Hemolytic Anemias: A Three Years Experience Monocentric Study. Front Physiol. 2021 May 21;12:684569. PMID: 34093240. Glaros A et al. Oryzocytosis: A Novel Morphological Variant of Hereditary Elliptocytosis Associated with a Novel Mutation in ÃŸ-Spectrin (SPTB c154 C>T p.Arg52Trp). Blood. 2019 Nov 13;134(Suppl_1):3509. Kager L et al. A single-center cohort study of patients with hereditary spherocytosis in Central Europe reveals a high frequency of novel disease-causing genotypes. Hemasphere. 2024 Jan 26;8(1):e31. PMID: 38434532.

MVZ Dr. Eberhard & Partner Dortmund
Classification: Uncertain significance. Last evaluated: 2019-07-01. Review status: criteria provided, single submitter. Criteria: ACMG Guidelines, 2015. Collection method: clinical testing. Allele origin: unknown. Observed: 1 variant allele.
Comment: Multiple lines of computational evidence support a deleterious effect of c.154C>T for p.(Arg52Trp) (SIFT: predict not tolerated; Mutation Taster: diesease causing; Polyphen: HumDiv+ HumVar: probably damaging; Arg52 highly conserved). In silico analyses give no hint that this variant affects splicing. c.154C>T t is absent from controls like ESP, 1000 genomes or gnomAD. The mutation of the following nucleotide c.155G>A for p.Arg52Gln is listed as VUS in ClinVar, as "disease causing mutation?" in HGMD and is mentioned in Christensen et al., Neonatology. 2014; 105(1):1-4, but without significance for classification.

Blueprint Genetics
Classification: Uncertain significance. Last evaluated: 2018-11-29. Review status: criteria provided, single submitter. Criteria: ACMG Guidelines, 2015. Collection method: clinical testing. Allele origin: germline.

Literature cited by the submitters: PubMed 38434532 (cited by 4 submitters); PubMed 36035481 (cited by 4 submitters); PubMed 34093240 (cited by 3 submitters); PubMed 35351432 (cited by Mayo Clinic Laboratories, Mayo Clinic and Johns Hopkins Genomics, Johns Hopkins University); PubMed 37357001 (cited by 3 submitters).